The following is an entry in ClinVar:

NM_001792.5(CDH2):c.1604C>G (p.Thr535Ser)

Gene: CDH2 (cadherin 2; minus strand). Cytogenetic location: 18q12.1.
Variant type: single nucleotide variant.
Coding change: c.1604C>G on transcript NM_001792.5 (MANE Select); coding-DNA position 1604, C replaced by G.
Protein change: p.Thr535Ser; replaces threonine 535 with serine.
Molecular consequence: missense variant.
Genome position (GRCh38, 1-based): chr18:27,988,661, G>C on the plus strand (C>G on the coding strand, the complement: CDH2 is on the minus strand). VCF-style: chr18-27988661-G-C. GRCh37 (hg19) VCF-style: chr18-25568625-G-C.
Other names: c.1511C>G, p.Thr504Ser (NM_001308176.2); short protein forms T535S, T504S.
Identifiers: ClinVar variation 1776237 (VCV001776237.9), dbSNP rs546438155, ClinGen allele CA8923335.

ClinVar aggregate classification (germline): Uncertain significance. Review status: criteria provided, multiple submitters, no conflicts (2 of 4 stars). 3 submissions from 3 submitters: Uncertain significance (3). Last evaluated 2025-10-08.

Conditions:
Arrhythmogenic right ventricular dysplasia, familial, 14. Also called: ARRHYTHMOGENIC RIGHT VENTRICULAR CARDIOMYOPATHY 14. Identifiers: MedGen C5394505, MONDO:0030062, OMIM 618920.
Inborn genetic diseases. Identifiers: MedGen C0950123, MeSH D030342.

Allele frequency attached by ClinVar (database versions not stated): gnomAD 0.00001; gnomAD exomes 0.00001; ExAC 0.00002; TOPMed 0.00002.
gnomAD v4.1: 13 of 1,591,448 alleles (0.00082%); highest among the groups gnomAD compares: African/African-American, 0.004%; no homozygotes.

Submissions (3):

Labcorp Genetics (formerly Invitae), Labcorp
Classification: Uncertain significance. Last evaluated: 2025-10-08. Review status: criteria provided, single submitter. Criteria: Invitae Variant Classification Sherloc (09022015). Collection method: clinical testing. Allele origin: germline.
Comment: This sequence change replaces threonine, which is neutral and polar, with serine, which is neutral and polar, at codon 535 of the CDH2 protein (p.Thr535Ser). This variant is present in population databases (rs546438155, gnomAD 0.02%). This variant has not been reported in the literature in individuals affected with CDH2-related conditions. ClinVar contains an entry for this variant (Variation ID: 1776237). An algorithm developed to predict the effect of missense changes on protein structure and function (PolyPhen-2) suggests that this variant is likely to be tolerated. In summary, the available evidence is currently insufficient to determine the role of this variant in disease. Therefore, it has been classified as a Variant of Uncertain Significance.

Ambry Genetics
Classification: Uncertain significance for Inborn genetic diseases. Last evaluated: 2025-06-30. Review status: criteria provided, single submitter. Criteria: Ambry Variant Classification Scheme 2023. Collection method: clinical testing. Allele origin: germline.

New York Genome Center
Classification: Uncertain significance for Arrhythmogenic right ventricular dysplasia, familial, 14. Last evaluated: 2023-03-24. Review status: criteria provided, single submitter. Criteria: NYGC Assertion Criteria 2020. Collection method: clinical testing. Allele origin: germline. Observed: 1 heterozygote.
Comment: The c.1604C>G variant in CDH2 has not previously been reported in the literature. This variant has been deposited in ClinVar [ClinVar ID: 1776237] as a Variant of Uncertain Significance and it is observed in 11 alleles (~0.00171% minor allele frequency with 0 homozygotes) in population databases (gnomAD v2.1.1 andv3.1.2, TOPMed Freeze 8, All of Us), suggesting it is not a common benign variant in the populations represented in those databases. The c.1604C>G variant in CDH2 is located in exon 11 of this 16-exon gene and predicted to replace a moderately conserved threonine amino acid with serine at position 535 in the extracellular cadherin domain repeat 4 (EC4) of the encoded protein. In silico predictions are not in favor of damaging effect for p. (Thr535Ser) variant [(CADD v1.6 = 23.4, REVEL =0.178)]; however, there are no functional studies to support or refute these predictions. Furthermore a different nucleotide change resulting in the same missense substitution c.1603A>T, p.(Thr535Ser) and a different missense c.1604C>T (p.Thr535Ile) substitution affecting the same protein residue p.(Thr535) within the EC4 repeats have been reported in the ClinVar as Variant of Uncertain Significance [ClinVar ID: 1989700 and 2310253, respectively]. Based on available evidence this c.1604C>G p.(Arg123Gln) variant identified in CDH2 is classified as a Variant of Uncertain Significance.